The following is an entry in ClinVar:

GRCh38/hg38 7p14.1(chr7:39998914-40135645)x1

Genes: CDK13 (cyclin dependent kinase 13; plus strand), MPLKIP (M-phase specific PLK1 interacting protein; minus strand), SUGCT (succinyl-CoA:glutarate-CoA transferase; plus strand), LOC129998294 (ATAC-STARR-seq lymphoblastoid active region 25889; plus strand), LOC129998295 (ATAC-STARR-seq lymphoblastoid silent region 18117; plus strand) and 2 more. Cytogenetic location: 7p14.1.
Variant type: copy number loss.
Change: copy number 1 (one copy instead of two) of chr7:39,998,914-40,135,645 (136.7 kb, GRCh38 coordinates, 1-based), cytogenetic band 7p14.1.
Identifiers: ClinVar variation 5038330 (VCV005038330.1).

ClinVar aggregate classification (germline): Likely pathogenic (1 of 4 stars; one submission).

Submission:

Clinical Genomics Laboratory, Laboratory for Precision Diagnostics, University of Washington
Classification: Likely pathogenic. Last evaluated: 2025-10-17. Review status: criteria provided, single submitter. Criteria: ACMG/ClinGen CNV Guidelines, 2019. Collection method: clinical testing. Allele origin: unknown. Affected: yes. Observed: 1 variant allele, 1 mosaic individual.
Comment: This interstitial mosaic deletion is approximately 137 kb in size and likely contains the last 11 exons of CDK13 (NM_003718.5), the entirety of MPKLIP, and the first exon of SUGCT (NM_001193313.2). The data suggests that the deletion is present in about 80% of cells in this uncultured amniotic fluid sample. The percentage of cells with the deletion in other tissues may be different. Full (not mosaic) loss-of-function variants in CDK13 have been found in people with intellectual disability, developmental delay, seizures, distinctive facial features, and congenital heart defects. A deletion of the last several coding exons of CDK13 is expected to result in loss-of-function, but the clinical impact of this mosaic deletion is difficult to predict and will depend on which tissues the deletion is present in and at what level. DECIPHER patient 409287 has ptosis, poor fine motor coordination, and intellectual disability. No other information is available about the health or development of his mother. Of note, single nucleotide missense variants clustering in the single domain of the protein have been reported in association with overlapping clinical presentations, and dominant-negative and/or gain-of-function mechanisms have also been proposed.